The following is an entry in ClinVar:

NM_007074.4(CORO1A):c.1085A>T (p.Asp362Val)

Gene: CORO1A (coronin 1A; plus strand). Cytogenetic location: 16p11.2.
Variant type: single nucleotide variant.
Coding change: c.1085A>T on transcript NM_007074.4 (MANE Select); coding-DNA position 1085, A replaced by T.
Protein change: p.Asp362Val; replaces aspartic acid 362 with valine.
Molecular consequence: missense variant.
Genome position (GRCh38, 1-based): chr16:30,188,380, A>T. VCF-style: chr16-30188380-A-T. GRCh37 (hg19) VCF-style: chr16-30199701-A-T.
Other names: c.1085A>T, p.Asp362Val (NM_001193333.3); short protein forms D362V.
Identifiers: ClinVar variation 1374393 (VCV001374393.6), dbSNP rs2151063474, ClinGen allele CA395498566.

ClinVar aggregate classification (germline): Uncertain significance (1 of 4 stars; one submission).

Conditions:
Severe combined immunodeficiency due to CORO1A deficiency. Also called: Immunodeficiency 8; IMMUNODEFICIENCY 8 WITH LYMPHOPROLIFERATION. Identifiers: Orphanet 228003, MedGen C3809383, MONDO:0014168, OMIM 615401.

Submission:

Labcorp Genetics (formerly Invitae), Labcorp
Classification: Uncertain significance for Severe combined immunodeficiency due to CORO1A deficiency. Last evaluated: 2022-08-23. Review status: criteria provided, single submitter. Criteria: Invitae Variant Classification Sherloc (09022015). Collection method: clinical testing. Allele origin: germline.
Comment: Algorithms developed to predict the effect of missense changes on protein structure and function are either unavailable or do not agree on the potential impact of this missense change (SIFT: "Deleterious"; PolyPhen-2: "Probably Damaging"; Align-GVGD: "Class C15"). ClinVar contains an entry for this variant (Variation ID: 1374393). This variant has not been reported in the literature in individuals affected with CORO1A-related conditions. This variant is not present in population databases (gnomAD no frequency). This sequence change replaces aspartic acid, which is acidic and polar, with valine, which is neutral and non-polar, at codon 362 of the CORO1A protein (p.Asp362Val). In summary, the available evidence is currently insufficient to determine the role of this variant in disease. Therefore, it has been classified as a Variant of Uncertain Significance.